The following is an entry in ClinVar:

NM_015665.6(AAAS):c.352dup (p.Cys118fs)

Gene: AAAS (aladin WD repeat nucleoporin; minus strand). Cytogenetic location: 12q13.13.
Variant type: Duplication.
Coding change: c.352dup on transcript NM_015665.6 (MANE Select); coding-DNA position 352, one base duplicated (T; older notation c.352dupT).
Protein change: p.Cys118fs; shifts the reading frame from cysteine 118.
Molecular consequence: frameshift variant.
Genome position (GRCh38, 1-based): chr12:53,315,382, A duplicated on the plus strand (T on the coding strand, the reverse complement: AAAS is on the minus strand). VCF-style (leftmost placement, unchanged base first): chr12-53315381-C-CA. GRCh37 (hg19) VCF-style: chr12-53709165-C-CA.
Other names: c.352dup, p.Cys118fs (NM_001173466.2); short protein forms C118fs.
Identifiers: ClinVar variation 2850157 (VCV002850157.3), dbSNP rs2498626631, ClinGen allele CA2739272074.

ClinVar aggregate classification (germline): Pathogenic (1 of 4 stars; one submission).

Submission:

Labcorp Genetics (formerly Invitae), Labcorp
Classification: Pathogenic. Last evaluated: 2023-03-27. Review status: criteria provided, single submitter. Criteria: Invitae Variant Classification Sherloc (09022015). Collection method: clinical testing. Allele origin: germline.
Comment: This sequence change creates a premature translational stop signal (p.Cys118Leufs*25) in the AAAS gene. It is expected to result in an absent or disrupted protein product. Loss-of-function variants in AAAS are known to be pathogenic (PMID: 11159947). For these reasons, this variant has been classified as Pathogenic. This variant has not been reported in the literature in individuals affected with AAAS-related conditions. This variant is not present in population databases (gnomAD no frequency).

Literature cited by the submitters: PubMed 11159947.